The following is an entry in ClinVar:

ClinVar aggregate classification (germline): Uncertain significance (1 of 4 stars; one submission).

Submission:

Labcorp Genetics (formerly Invitae), Labcorp
Classification: Uncertain significance. Last evaluated: 2022-06-06. Review status: criteria provided, single submitter. Criteria: Invitae Variant Classification Sherloc (09022015). Collection method: clinical testing. Allele origin: germline.
Comment: In summary, the available evidence is currently insufficient to determine the role of this variant in disease. Therefore, it has been classified as a Variant of Uncertain Significance. Algorithms developed to predict the effect of missense changes on protein structure and function (SIFT, PolyPhen-2, Align-GVGD) all suggest that this variant is likely to be disruptive. This variant has not been reported in the literature in individuals affected with PPA2-related conditions. This variant is not present in population databases (gnomAD no frequency). This sequence change replaces lysine, which is basic and polar, with asparagine, which is neutral and polar, at codon 247 of the PPA2 protein (p.Lys247Asn).

NM_176869.3(PPA2):c.741A>T (p.Lys247Asn)

Gene: PPA2 (inorganic pyrophosphatase 2; minus strand). Cytogenetic location: 4q24.
Variant type: single nucleotide variant.
Coding change: c.741A>T on transcript NM_176869.3 (MANE Select); coding-DNA position 741, A replaced by T.
Protein change: p.Lys247Asn; replaces lysine 247 with asparagine.
Molecular consequence: missense variant.
Genome position (GRCh38, 1-based): chr4:105,399,079, T>A on the plus strand (A>T on the coding strand, the complement: PPA2 is on the minus strand). VCF-style: chr4-105399079-T-A. GRCh37 (hg19) VCF-style: chr4-106320236-T-A.
Other names: c.654A>T, p.Lys218Asn (NM_006903.4); c.435A>T, p.Lys145Asn (NM_176866.2); c.243A>T, p.Lys81Asn (NM_176867.3); short protein forms K247N, K218N, K145N, K81N.
Identifiers: ClinVar variation 2002183 (VCV002002183.3), dbSNP rs2477005310, ClinGen allele CA357790582.